The following is an entry in ClinVar:

NM_000155.4(GALT):c.181del (p.Leu61fs)

Genes: GALT (galactose-1-phosphate uridylyltransferase; plus strand), LOC130001683 (ATAC-STARR-seq lymphoblastoid active region 28314; plus strand). Cytogenetic location: 9p13.3.
Variant type: Deletion.
Coding change: c.181del on transcript NM_000155.4 (MANE Select); coding-DNA position 181, one base deleted (C; older notation c.181delC).
Protein change: p.Leu61fs; shifts the reading frame from leucine 61.
Molecular consequence: frameshift variant. On other transcripts: 5 prime UTR variant (1).
Genome position (GRCh38, 1-based): chr9:34,647,187, C deleted. VCF-style (leftmost placement, unchanged base first): chr9-34647186-GC-G. GRCh37 (hg19) VCF-style: chr9-34647183-GC-G.
Other names: c.-22del (NM_001258332.2); short protein forms L61fs.
Identifiers: ClinVar variation 4817621 (VCV004817621.1).
Genomic context (GRCh38, chr9:34,647,186, plus strand): 5'-GTGGGTGCTGGTGTCAGCTCACCGCATGAAGCGGCCCTGGCAGGGTCAAGTGGAGCCCCA[GC>G]TTCTGAAGACAGTGCCCCGCCATGACCCTCTCAACCCTCTGTGTCCTGGGGCCATCCGAG-3'

ClinVar aggregate classification (germline): Likely pathogenic (1 of 4 stars; one submission).

Conditions:
Galactosemia. Also called: Galactose intolerance. Identifiers: Orphanet 352, MedGen C0016952, MONDO:0018116, HP:0004919. Disease mechanism: loss of function.

Submission:

Natera, Inc.
Classification: Likely pathogenic for Galactosemia. Last evaluated: 2025-10-06. Review status: criteria provided, single submitter. Criteria: Natera Variant Classification Schema (03/2026). Collection method: clinical testing. Allele origin: germline.
Comment: The c.181del variant in GALT is a frameshift variant predicted to shift the reading frame beginning at codon 61 and leads to a stop codon 2 codons downstream. This variant is expected to result in nonsense mediated decay, truncation, or a dysfunctional protein product. This variant is rare in the general population with a frequency below the threshold expected for the associated phenotype(s). Given the available evidence, this variant is classified as Likely Pathogenic.